The following is an entry in ClinVar:

ClinVar aggregate classification (germline): Uncertain significance (1 of 4 stars; one submission).

Allele frequency attached by ClinVar (database versions not stated): gnomAD 0.00001; gnomAD exomes 0.00001 and 0.00002; TOPMed 0.00002; ExAC 0.00004.

Submission:

Labcorp Genetics (formerly Invitae), Labcorp
Classification: Uncertain significance. Last evaluated: 2025-11-19. Review status: criteria provided, single submitter. Criteria: Invitae Variant Classification Sherloc (09022015). Collection method: clinical testing. Allele origin: germline.
Comment: This sequence change replaces proline, which is neutral and non-polar, with serine, which is neutral and polar, at codon 134 of the ERBB2 protein (p.Pro134Ser). This variant is present in population databases (rs754295165, gnomAD 0.01%). This variant has not been reported in the literature in individuals affected with ERBB2-related conditions. ClinVar contains an entry for this variant (Variation ID: 1407448). Invitae Evidence Modeling of protein sequence and biophysical properties (such as structural, functional, and spatial information, amino acid conservation, physicochemical variation, residue mobility, and thermodynamic stability) indicates that this missense variant is not expected to disrupt ERBB2 protein function with a negative predictive value of 80%. In summary, the available evidence is currently insufficient to determine the role of this variant in disease. Therefore, it has been classified as a Variant of Uncertain Significance.

NM_004448.4(ERBB2):c.400C>T (p.Pro134Ser)

Gene: ERBB2 (erb-b2 receptor tyrosine kinase 2; plus strand). Cytogenetic location: 17q12.
Variant type: single nucleotide variant.
Coding change: c.400C>T on transcript NM_004448.4 (MANE Select); coding-DNA position 400, C replaced by T.
Protein change: p.Pro134Ser; replaces proline 134 with serine.
Molecular consequence: missense variant. On other transcripts: non-coding transcript variant (1), intron variant (1).
Genome position (GRCh38, 1-based): chr17:39,708,495, C>T. VCF-style: chr17-39708495-C-T. GRCh37 (hg19) VCF-style: chr17-37864748-C-T.
Other names: c.310C>T, p.Pro104Ser (NM_001005862.3, NM_001289938.2, NM_001382782.1 and 1 more transcripts); c.355C>T, p.Pro119Ser (NM_001289936.2); c.400C>T, p.Pro134Ser (NM_001289937.2, NM_001382784.1, NM_001382785.1 and 19 more transcripts); c.391C>T, p.Pro131Ser (NM_001382791.1); c.74-3433C>T (NM_001382804.1); short protein forms P104S, P119S, P134S, P131S.
Identifiers: ClinVar variation 1407448 (VCV001407448.6), dbSNP rs754295165, ClinGen allele CA8533613.